The following is an entry in ClinVar:

ClinVar aggregate classification (germline): Uncertain significance (1 of 4 stars; one submission).

Allele frequency attached by ClinVar (database versions not stated): ExAC 0.00001; gnomAD 0.00002; ESP Exome Variant Server 0.00008.
gnomAD v4.1: 3 of 1,614,014 alleles (0.00019%); highest among the groups gnomAD compares: African/African-American, 0.004%; no homozygotes.

Submission:

GeneDx
Classification: Uncertain significance. Last evaluated: 2023-03-14. Review status: criteria provided, single submitter. Criteria: GeneDx Variant Classification Process June 2021. Collection method: clinical testing. Allele origin: germline. Affected: yes.
Comment: Has not been previously published as pathogenic or benign to our knowledge; Not observed at significant frequency in large population cohorts (gnomAD); Nonsense variant predicted to result in protein truncation or nonsense mediated decay in a gene or region of a gene for which loss of function is not a well-established mechanism of disease

NM_003242.6(TGFBR2):c.1393G>T (p.Gly465Ter)

Gene: TGFBR2 (transforming growth factor beta receptor 2; plus strand). Cytogenetic location: 3p24.1.
Variant type: single nucleotide variant.
Coding change: c.1393G>T on transcript NM_003242.6 (MANE Select); coding-DNA position 1393, G replaced by T.
Protein change: p.Gly465Ter; replaces glycine 465 with a stop codon.
Molecular consequence: nonsense. On other transcripts: intron variant (1).
Genome position (GRCh38, 1-based): chr3:30,674,243, G>T. VCF-style: chr3-30674243-G-T. GRCh37 (hg19) VCF-style: chr3-30715735-G-T.
Other names: c.1468G>T, p.Gly490Ter (NM_001024847.3); c.1576G>T, p.Gly526Ter (NM_001407126.1); c.1501G>T, p.Gly501Ter (NM_001407127.1); c.1420G>T, p.Gly474Ter (NM_001407128.1); c.1396G>T, p.Gly466Ter (NM_001407129.1); c.1393G>T, p.Gly465Ter (NM_001407130.1); c.1288G>T, p.Gly430Ter (NM_001407132.1, NM_001407133.1, NM_001407134.1 and 2 more transcripts); c.1108G>T, p.Gly370Ter (NM_001407137.1); and 2 more; short protein forms G345*, G370*, G430*, G465*, G466*, G474*, G490*, G501*.
Identifiers: ClinVar variation 2580039 (VCV002580039.1), dbSNP rs144766594, ClinGen allele CA046409.